The following is an entry in ClinVar:

NM_000090.4(COL3A1):c.2522T>C (p.Val841Ala)

Gene: COL3A1 (collagen type III alpha 1 chain; plus strand). Cytogenetic location: 2q32.2.
Variant type: single nucleotide variant.
Coding change: c.2522T>C on transcript NM_000090.4 (MANE Select); coding-DNA position 2522, T replaced by C.
Protein change: p.Val841Ala; replaces valine 841 with alanine.
Molecular consequence: missense variant.
Genome position (GRCh38, 1-based): chr2:189,003,031, T>C. VCF-style: chr2-189003031-T-C. GRCh37 (hg19) VCF-style: chr2-189867757-T-C.
Other names: short protein forms V841A.
Identifiers: ClinVar variation 647884 (VCV000647884.33), dbSNP rs1466306398, ClinGen allele CA349842851.
Genomic context (GRCh38, chr2:189,003,031, plus strand): 5'-CTGGTGGTAAAGGAGAAAGAGGGGCTCCGGGTGAGAAAGGTGAAGGAGGCCCTCCTGGAG[T>C]TGCAGGACCCCCTGGAGGTTCTGGACCTGCTGTAAGTTCCTTCCTCTTTCTCTGTCTATC-3'
Protein context (NP_000081.2, residues 831-851): GEKGEGGPPG[Val841Ala]AGPPGGSGPA

ClinVar aggregate classification (germline): Uncertain significance. Review status: criteria provided, multiple submitters, no conflicts (2 of 4 stars). 3 submissions from 3 submitters: Uncertain significance (3). Last evaluated 2026-06-06.

Conditions:
Familial thoracic aortic aneurysm and aortic dissection (TAAD). Also called: Thoracic aortic aneurysms and dissections. Identifiers: Orphanet 91387, MedGen C4707243, MONDO:0019625.
Ehlers-Danlos syndrome, type 4 (EDSVASC). Also called: Ehlers-Danlos syndrome vascular type; Ehlers Danlos syndrome, ecchymotic type; Ehlers Danlos syndrome, arterial type; Ehlers Danlos syndrome, Sack-Barabas type; Ehlers-Danlos Syndrome Type IV. Identifiers: Orphanet 286, MedGen C0268338, MONDO:0017314, OMIM 130050.

Allele frequency attached by ClinVar (database versions not stated): gnomAD 0.00001; gnomAD exomes 0.00001.
gnomAD v4.1: 4 of 1,551,130 alleles (0.00026%); highest among the groups gnomAD compares: Admixed American, 0.0039%; no homozygotes.

Submissions (3):

Ambry Genetics
Classification: Uncertain significance for Familial thoracic aortic aneurysm and aortic dissection. Last evaluated: 2026-06-06. Review status: criteria provided, single submitter. Criteria: Ambry Variant Classification Scheme 2023. Collection method: clinical testing. Allele origin: germline.
Comment: The p.V841A variant (also known as c.2522T>C), located in coding exon 36 of the COL3A1 gene, results from a T to C substitution at nucleotide position 2522. The valine at codon 841 is replaced by alanine, an amino acid with similar properties. This amino acid position is conserved. In addition, this alteration is predicted to be tolerated by in silico analysis. Based on the available evidence, the clinical significance of this variant remains unclear.

Labcorp Genetics (formerly Invitae), Labcorp
Classification: Uncertain significance for Ehlers-Danlos syndrome, type 4. Last evaluated: 2024-05-26. Review status: criteria provided, single submitter. Criteria: Invitae Variant Classification Sherloc (09022015). Collection method: clinical testing. Allele origin: germline.
Comment: This sequence change replaces valine, which is neutral and non-polar, with alanine, which is neutral and non-polar, at codon 841 of the COL3A1 protein (p.Val841Ala). This variant is not present in population databases (gnomAD no frequency). This variant has not been reported in the literature in individuals affected with COL3A1-related conditions. ClinVar contains an entry for this variant (Variation ID: 647884). Advanced modeling of protein sequence and biophysical properties (such as structural, functional, and spatial information, amino acid conservation, physicochemical variation, residue mobility, and thermodynamic stability) performed at Invitae indicates that this missense variant is not expected to disrupt COL3A1 protein function with a negative predictive value of 95%. In summary, the available evidence is currently insufficient to determine the role of this variant in disease. Therefore, it has been classified as a Variant of Uncertain Significance.

CeGaT Center for Human Genetics Tuebingen
Classification: Uncertain significance. Last evaluated: 2023-11-01. Review status: criteria provided, single submitter. Criteria: CeGaT Center For Human Genetics Tuebingen Variant Classification Criteria Version 2. Collection method: clinical testing. Allele origin: germline. Affected: yes. Observed: 1 variant allele.
Comment: COL3A1: PM2